The following is an entry in ClinVar:

ClinVar aggregate classification (germline): Benign/Likely benign. Review status: criteria provided, multiple submitters, no conflicts (2 of 4 stars). 3 submissions from 3 submitters: Benign (2); Likely benign (1). Last evaluated 2026-02-03.

Conditions:
Vitreoretinopathy. Also called: Vitreoretinal degeneration. Identifiers: MedGen C0344290, MONDO:0020248, HP:0007773.

Allele frequency attached by ClinVar (database versions not stated): 1000 Genomes Project 0.01997; 1000 Genomes Project 30x 0.01999; gnomAD 0.02753 and 0.02772; TOPMed 0.02831; gnomAD exomes 0.03048; ESP Exome Variant Server 0.03077; ExAC 0.03171.

Submissions (3):

Labcorp Genetics (formerly Invitae), Labcorp
Classification: Benign. Last evaluated: 2026-02-03. Review status: criteria provided, single submitter. Criteria: Invitae Variant Classification Sherloc (09022015). Collection method: clinical testing. Allele origin: germline.

Blueprint Genetics
Classification: Likely benign. Last evaluated: 2024-11-26. Review status: criteria provided, single submitter. Criteria: ACMG Guidelines, 2015. Collection method: clinical testing. Allele origin: germline.

Illumina Laboratory Services, Illumina
Classification: Benign for Vitreoretinopathy. Last evaluated: 2018-01-13. Review status: criteria provided, single submitter. Criteria: ICSL Variant Classification Criteria 13 December 2019. Collection method: clinical testing. Allele origin: germline.
Comment: This variant was observed in the ICSL laboratory as part of a predisposition screen in an ostensibly healthy population. It had not been previously curated by ICSL or reported in the Human Gene Mutation Database (HGMD: prior to June 1st, 2018), and was therefore a candidate for classification through an automated scoring system. Utilizing variant allele frequency, disease prevalence and penetrance estimates, and inheritance mode, an automated score was calculated to assess if this variant is too frequent to cause the disease. Based on the score and internal cut-off values, a variant classified as benign is not then subjected to further curation. The score for this variant resulted in a classification of benign for this disease.

NM_004385.5(VCAN):c.1043-10A>G

Gene: VCAN (versican; plus strand). Cytogenetic location: 5q14.3.
Variant type: single nucleotide variant.
Coding change: c.1043-10A>G on transcript NM_004385.5 (MANE Select); 10 bases into the intron before coding-DNA position 1043, A replaced by G.
Molecular consequence: intron variant.
Genome position (GRCh38, 1-based): chr5:83,519,339, A>G. VCF-style: chr5-83519339-A-G. GRCh37 (hg19) VCF-style: chr5-82815158-A-G.
Other names: c.1043-10A>G (NM_001164098.2); c.1042+6943A>G (NM_001164097.2, NM_001126336.3).
Identifiers: ClinVar variation 354395 (VCV000354395.15), dbSNP rs115912456, ClinGen allele CA3332599.